The following is an entry in ClinVar:

ClinVar aggregate classification (germline): Uncertain significance (1 of 4 stars; one submission).

Submission:

GeneDx
Classification: Uncertain significance. Last evaluated: 2025-10-27. Review status: criteria provided, single submitter. Criteria: GeneDx Variant Classification Process June 2021. Collection method: clinical testing. Allele origin: germline.
Comment: Not observed at significant frequency in large population cohorts (gnomAD); In silico analysis suggests that this missense variant does not alter protein structure/function; Occurs in the triple helical domain at the X position in the canonical Gly-X-Y repeat; although this variant may have an effect on normal protein folding and function, missense substitution at the X position is not a common mechanism of disease; Has not been previously published as pathogenic or benign to our knowledge

NM_000091.5(COL4A3):c.4130C>T (p.Pro1377Leu)

Genes: COL4A3 (collagen type IV alpha 3 chain; plus strand), MFF-DT (MFF divergent transcript; minus strand). Cytogenetic location: 2q36.3.
Variant type: single nucleotide variant.
Coding change: c.4130C>T on transcript NM_000091.5 (MANE Select); coding-DNA position 4130, C replaced by T.
Protein change: p.Pro1377Leu; replaces proline 1377 with leucine.
Molecular consequence: missense variant.
Genome position (GRCh38, 1-based): chr2:227,304,121, C>T. VCF-style: chr2-227304121-C-T. GRCh37 (hg19) VCF-style: chr2-228168837-C-T.
Other names: short protein forms P1377L.
Identifiers: ClinVar variation 4074439 (VCV004074439.2).